The following is an entry in ClinVar:

ClinVar aggregate classification (germline): Uncertain significance (1 of 4 stars; one submission).

Submission:

Labcorp Genetics (formerly Invitae), Labcorp
Classification: Uncertain significance. Last evaluated: 2021-08-18. Review status: criteria provided, single submitter. Criteria: Invitae Variant Classification Sherloc (09022015). Collection method: clinical testing. Allele origin: germline.
Comment: This sequence change replaces lysine with asparagine at codon 409 of the CTNNA1 protein (p.Lys409Asn). The lysine residue is moderately conserved and there is a moderate physicochemical difference between lysine and asparagine. This variant is not present in population databases (ExAC no frequency). This variant has not been reported in the literature in individuals affected with CTNNA1-related conditions. Algorithms developed to predict the effect of missense changes on protein structure and function are either unavailable or do not agree on the potential impact of this missense change (SIFT: "Deleterious"; PolyPhen-2: "Possibly Damaging"; Align-GVGD: "Class C0"). In summary, the available evidence is currently insufficient to determine the role of this variant in disease. Therefore, it has been classified as a Variant of Uncertain Significance.

NM_001903.5(CTNNA1):c.1227G>C (p.Lys409Asn)

Gene: CTNNA1 (catenin alpha 1; plus strand). Cytogenetic location: 5q31.2.
Variant type: single nucleotide variant.
Coding change: c.1227G>C on transcript NM_001903.5 (MANE Select); coding-DNA position 1227, G replaced by C.
Protein change: p.Lys409Asn; replaces lysine 409 with asparagine.
Molecular consequence: missense variant. On other transcripts: 5 prime UTR variant (5), intron variant (2).
Genome position (GRCh38, 1-based): chr5:138,887,573, G>C. VCF-style: chr5-138887573-G-C. GRCh37 (hg19) VCF-style: chr5-138223262-G-C.
Other names: c.1227G>C, p.Lys409Asn (NM_001290307.3, NM_001323982.2, NM_001323983.1 and 3 more transcripts); c.918G>C, p.Lys306Asn (NM_001290309.3); c.858G>C, p.Lys286Asn (NM_001290310.3); c.117G>C, p.Lys39Asn (NM_001290312.1, NM_001323987.1, NM_001323988.1 and 18 more transcripts); c.-281G>C (NM_001324006.1, NM_001324007.1, NM_001324008.1 and 1 more transcripts); c.-156G>C (NM_001324013.1); c.-58+11976G>C (NM_001324012.1); c.-61+11976G>C (NM_001324010.1); short protein forms K306N, K39N, K286N, K409N.
Identifiers: ClinVar variation 1474104 (VCV001474104.6), dbSNP rs2150032585, ClinGen allele CA361133113.
Genomic context (GRCh38, chr5:138,887,573, plus strand): 5'-CGTTTCAGATTCTTTCCTGGAAACCAATGTTCCACTTTTGGTATTGATTGAAGCTGCAAA[G>C]AATGGAAATGAGAAAGAAGTTAAGGAGTATGCCCAAGTTTTCCGTGAACATGCCAACAAA-3'
Protein context (NP_001894.2, residues 399-419): VPLLVLIEAA[Lys409Asn]NGNEKEVKEY